The following is an entry in ClinVar:

ClinVar aggregate classification (germline): Uncertain significance (1 of 4 stars; one submission).

Conditions:
Inborn genetic diseases. Identifiers: MedGen C0950123, MeSH D030342.

Submission:

Ambry Genetics
Classification: Uncertain significance for Inborn genetic diseases. Last evaluated: 2025-10-25. Review status: criteria provided, single submitter. Criteria: Ambry Variant Classification Scheme 2023. Collection method: clinical testing. Allele origin: germline.
Comment: The p.E1216K variant (also known as c.3646G>A), located in coding exon 33 of the RTEL1 gene, results from a G to A substitution at nucleotide position 3646. The glutamic acid at codon 1216 is replaced by lysine, an amino acid with similar properties. This amino acid position is conserved. In addition, this alteration is predicted to be tolerated by in silico analysis. Based on the available evidence, the clinical significance of this variant remains unclear.

NM_001283009.2(RTEL1):c.3646G>A (p.Glu1216Lys)

Genes: RTEL1 (regulator of telomere elongation helicase 1; plus strand), RTEL1-TNFRSF6B (RTEL1-TNFRSF6B readthrough (NMD candidate); plus strand). Cytogenetic location: 20q13.33.
Variant type: single nucleotide variant.
Coding change: c.3646G>A on transcript NM_001283009.2 (MANE Select); coding-DNA position 3646, G replaced by A.
Protein change: p.Glu1216Lys; replaces glutamic acid 1216 with lysine.
Molecular consequence: missense variant. On other transcripts: non-coding transcript variant (1).
Genome position (GRCh38, 1-based): chr20:63,695,474, G>A. VCF-style: chr20-63695474-G-A. GRCh37 (hg19) VCF-style: chr20-62326827-G-A.
Other names: c.2977G>A, p.Glu993Lys (NM_001283010.1); c.3646G>A, p.Glu1216Lys (NM_016434.4); c.3718G>A, p.Glu1240Lys (NM_032957.5); short protein forms E1240K, E993K, E1216K.
Identifiers: ClinVar variation 4629568 (VCV004629568.1).